The following is an entry in ClinVar:

ClinVar aggregate classification (germline): Uncertain significance (1 of 4 stars; one submission).

Conditions:
Arrhythmogenic right ventricular dysplasia 5. Also called: Arrhythmogenic Right Ventricular Dysplasia/Cardiomyopathy 5; ARRHYTHMOGENIC RIGHT VENTRICULAR DYSPLASIA, FAMILIAL, 5. Identifiers: MedGen C1858379, MONDO:0011459, OMIM 604400.

Submission:

All of Us Research Program, National Institutes of Health
Classification: Uncertain significance for Arrhythmogenic right ventricular dysplasia 5. Last evaluated: 2023-03-28. Review status: criteria provided, single submitter. Criteria: ACMG Guidelines, 2015. Collection method: clinical testing. Allele origin: germline. Inheritance: Autosomal dominant inheritance. Observed: 1 variant allele, 1 heterozygote.
Comment: This study involves interpretation of variants in research participants for the purpose of population health screening. Participant phenotype was not available at the time of variant classification. Additional details can be found in publication PMID: 35346344, PMCID: PMC8962531

NM_024334.3(TMEM43):c.1192A>G (p.Lys398Glu)

Gene: TMEM43 (transmembrane protein 43; plus strand). Cytogenetic location: 3p25.1.
Variant type: single nucleotide variant.
Coding change: c.1192A>G on transcript NM_024334.3 (MANE Select); coding-DNA position 1192, A replaced by G.
Protein change: p.Lys398Glu; replaces lysine 398 with glutamic acid.
Molecular consequence: missense variant.
Genome position (GRCh38, 1-based): chr3:14,141,784, A>G. VCF-style: chr3-14141784-A-G. GRCh37 (hg19) VCF-style: chr3-14183284-A-G.
Other names: c.1195A>G, p.Lys399Glu (NM_001407274.1); c.1189A>G, p.Lys397Glu (NM_001407275.1, NM_001407276.1); c.1186A>G, p.Lys396Glu (NM_001407277.1); c.1177A>G, p.Lys393Glu (NM_001407278.1); c.1117A>G, p.Lys373Glu (NM_001407279.1); c.1042A>G, p.Lys348Glu (NM_001407280.1); short protein forms K348E, K373E, K393E, K396E, K397E, K398E, K399E.
Identifiers: ClinVar variation 3069959 (VCV003069959.1), dbSNP rs2470201791, ClinGen allele CA351536706.